The following is an entry in ClinVar:

NM_003072.5(SMARCA4):c.1067A>G (p.Gln356Arg)

Gene: SMARCA4 (SWI/SNF related BAF chromatin remodeling complex subunit ATPase 4; plus strand). Cytogenetic location: 19p13.2.
Variant type: single nucleotide variant.
Coding change: c.1067A>G on transcript NM_003072.5 (MANE Select); coding-DNA position 1067, A replaced by G.
Protein change: p.Gln356Arg; replaces glutamine 356 with arginine.
Molecular consequence: missense variant. On other transcripts: non-coding transcript variant (1).
Genome position (GRCh38, 1-based): chr19:10,987,873, A>G. VCF-style: chr19-10987873-A-G. GRCh37 (hg19) VCF-style: chr19-11098549-A-G.
Other names: c.1067A>G, p.Gln356Arg (NM_001128844.3, NM_001128845.2, NM_001128846.2 and 5 more transcripts); short protein forms Q356R.
Identifiers: ClinVar variation 1346949 (VCV001346949.8), dbSNP rs2086201417, ClinGen allele CA404058772.

ClinVar aggregate classification (germline): Uncertain significance (1 of 4 stars; one submission).

Conditions:
Rhabdoid tumor predisposition syndrome 2 (RTPS2). Identifiers: Orphanet 231108, Orphanet 69077, MedGen C2750074, MONDO:0013224, OMIM 613325.

Submission:

Labcorp Genetics (formerly Invitae), Labcorp
Classification: Uncertain significance for Rhabdoid tumor predisposition syndrome 2. Last evaluated: 2023-06-24. Review status: criteria provided, single submitter. Criteria: Invitae Variant Classification Sherloc (09022015). Collection method: clinical testing. Allele origin: germline.
Comment: In summary, the available evidence is currently insufficient to determine the role of this variant in disease. Therefore, it has been classified as a Variant of Uncertain Significance. Advanced modeling of protein sequence and biophysical properties (such as structural, functional, and spatial information, amino acid conservation, physicochemical variation, residue mobility, and thermodynamic stability) performed at Invitae indicates that this missense variant is not expected to disrupt SMARCA4 protein function. ClinVar contains an entry for this variant (Variation ID: 1346949). This variant has not been reported in the literature in individuals affected with SMARCA4-related conditions. This variant is not present in population databases (gnomAD no frequency). This sequence change replaces glutamine, which is neutral and polar, with arginine, which is basic and polar, at codon 356 of the SMARCA4 protein (p.Gln356Arg).